The following is an entry in ClinVar:

NM_018191.4(RCBTB1):c.603+1G>A

Gene: RCBTB1 (RCC1 and BTB domain containing protein 1; minus strand). Cytogenetic location: 13q14.2.
Variant type: single nucleotide variant.
Coding change: c.603+1G>A on transcript NM_018191.4 (MANE Select); the canonical splice donor site of the intron after coding-DNA position 603, G replaced by A.
Molecular consequence: splice donor variant.
Genome position (GRCh38, 1-based): chr13:49,555,514, C>T on the plus strand (G>A on the coding strand, the complement: RCBTB1 is on the minus strand). VCF-style: chr13-49555514-C-T. GRCh37 (hg19) VCF-style: chr13-50129650-C-T.
Other names: c.603+1G>A (NM_001352501.2, NM_001352502.2, NM_001352503.2 and 3 more transcripts); c.24+1G>A (NM_001352506.2).
Identifiers: ClinVar variation 4725280 (VCV004725280.1).

ClinVar aggregate classification (germline): Likely pathogenic (1 of 4 stars; one submission).

Submission:

Labcorp Genetics (formerly Invitae), Labcorp
Classification: Likely pathogenic. Last evaluated: 2025-08-18. Review status: criteria provided, single submitter. Criteria: Invitae Variant Classification Sherloc (09022015). Collection method: clinical testing. Allele origin: germline.
Comment: This sequence change affects a donor splice site in intron 6 of the RCBTB1 gene. It is expected to disrupt RNA splicing. Variants that disrupt the donor or acceptor splice site typically lead to a loss of protein function (PMID: 16199547), and loss-of-function variants in RCBTB1 are known to be pathogenic (PMID: 31494449). This variant is not present in population databases (gnomAD no frequency). This variant has not been reported in the literature in individuals affected with RCBTB1-related conditions. Algorithms developed to predict the effect of sequence changes on RNA splicing suggest that this variant may disrupt the consensus splice site. In summary, the currently available evidence indicates that the variant is pathogenic, but additional data are needed to prove that conclusively. Therefore, this variant has been classified as Likely Pathogenic.

Literature cited by the submitters: PubMed 16199547; PubMed 31494449.